The following is an entry in ClinVar:

NM_198252.3(GSN):c.382G>A (p.Val128Met)

Gene: GSN (gelsolin; plus strand). Cytogenetic location: 9q33.2.
Variant type: single nucleotide variant.
Coding change: c.382G>A on transcript NM_198252.3 (MANE Select); coding-DNA position 382, G replaced by A.
Protein change: p.Val128Met; replaces valine 128 with methionine.
Molecular consequence: missense variant. On other transcripts: 5 prime UTR variant (1).
Genome position (GRCh38, 1-based): chr9:121,310,714, G>A. VCF-style: chr9-121310714-G-A. GRCh37 (hg19) VCF-style: chr9-124072992-G-A.
Other names: p.Val179Met; c.535G>A, p.Val179Met (NM_000177.5); c.382G>A, p.Val128Met (NM_001127662.2, NM_001127664.2, NM_001127665.2 and 10 more transcripts); c.490G>A, p.Val164Met (NM_001127663.2); c.415G>A, p.Val139Met (NM_001127666.2, NM_001127667.2, NM_001353063.2 and 13 more transcripts); c.433G>A, p.Val145Met (NM_001258029.2); c.406G>A, p.Val136Met (NM_001258030.2); c.454G>A, p.Val152Met (NM_001353076.2); and 1 more; short protein forms V139M, V179M, V128M, V145M, V152M, V164M, V136M.
Identifiers: ClinVar variation 364803 (VCV000364803.49), dbSNP rs41305623, ClinGen allele CA5220873.

ClinVar aggregate classification (germline): Benign/Likely benign. Review status: criteria provided, multiple submitters, no conflicts (2 of 4 stars). 7 submissions from 7 submitters: Benign (6); Likely benign (1). Last evaluated 2026-07-01.

Conditions:
GSN-related disorder. Also called: GSN-related condition.
Finnish type amyloidosis. Also called: Lattice corneal dystrophy associated with familial systemic amyloidosis; Meretoja's syndrome; Lattice dystrophy of the cornea with hereditary generalized amyloidosis; Amyloidosis, familial, Finnish type; Meretoja type amyloidosis; Amyloidosis 5. Identifiers: Orphanet 85448, MedGen C1622345, MONDO:0007097, OMIM 105120.

Allele frequency attached by ClinVar (database versions not stated): 1000 Genomes Project 30x 0.00234; 1000 Genomes Project 0.00240; TOPMed 0.00265; ESP Exome Variant Server 0.00361; gnomAD 0.00476 and 0.00507; gnomAD exomes 0.00488; ExAC 0.00502.
gnomAD v4.1: 7,887 of 1,614,166 alleles (0.49%); highest among the groups gnomAD compares: Non-Finnish European, 0.52%; 38 homozygotes.

Submissions (7):

CeGaT Center for Human Genetics Tuebingen
Classification: Likely benign. Last evaluated: 2026-07-01. Review status: criteria provided, single submitter. Criteria: CeGaT Center For Human Genetics Tuebingen Variant Classification Criteria Version 2. Collection method: clinical testing. Allele origin: germline. Affected: yes. Observed: 14 variant alleles.
Comment: GSN: BS2

Labcorp Genetics (formerly Invitae), Labcorp
Classification: Benign. Last evaluated: 2026-02-01. Review status: criteria provided, single submitter. Criteria: Invitae Variant Classification Sherloc (09022015). Collection method: clinical testing. Allele origin: germline.

PreventionGenetics, part of Exact Sciences
Classification: Benign for GSN-related condition. Last evaluated: 2025-03-20. Review status: criteria provided, single submitter. Criteria: ACMG Guidelines, 2015. Collection method: clinical testing. Allele origin: germline.
Comment: This variant is classified as benign based on ACMG/AMP sequence variant interpretation guidelines (Richards et al. 2015 PMID: 25741868, with internal and published modifications).

Genetic Services Laboratory, University of Chicago
Classification: Benign. Last evaluated: 2021-05-26. Review status: criteria provided, single submitter. Criteria: ACMG Guidelines, 2015. Collection method: clinical testing. Allele origin: germline. Affected: no.

Mayo Clinic Laboratories, Mayo Clinic
Classification: Benign. Last evaluated: 2019-05-29. Review status: criteria provided, single submitter. Criteria: ACMG Guidelines, 2015. Collection method: clinical testing. Allele origin: germline. Observed: 11 variant alleles.

Illumina Laboratory Services, Illumina
Classification: Benign for Finnish type amyloidosis. Last evaluated: 2018-01-13. Review status: criteria provided, single submitter. Criteria: ICSL Variant Classification Criteria 13 December 2019. Collection method: clinical testing. Allele origin: germline.
Comment: This variant was observed in the ICSL laboratory as part of a predisposition screen in an ostensibly healthy population. It had not been previously curated by ICSL or reported in the Human Gene Mutation Database (HGMD: prior to June 1st, 2018), and was therefore a candidate for classification through an automated scoring system. Utilizing variant allele frequency, disease prevalence and penetrance estimates, and inheritance mode, an automated score was calculated to assess if this variant is too frequent to cause the disease. Based on the score and internal cut-off values, a variant classified as benign is not then subjected to further curation. The score for this variant resulted in a classification of benign for this disease.

Breakthrough Genomics
Classification: Benign. Review status: criteria provided, single submitter. Criteria: ACMG Guidelines, 2015. Collection method: not provided. Allele origin: germline. Inheritance: Autosomal dominant inheritance. Affected: yes.